The following is an entry in ClinVar:

ClinVar aggregate classification (germline): Uncertain significance. Review status: criteria provided, multiple submitters, no conflicts (2 of 4 stars). 2 submissions from 2 submitters: Uncertain significance (2). Last evaluated 2025-11-25.

Conditions:
MOGS-congenital disorder of glycosylation. Also called: CDG IIb; MOGS-CDG; GLUCOSIDASE I DEFICIENCY; CDG 2B. Identifiers: Orphanet 79330, MedGen C1853736, MONDO:0011629, OMIM 606056.
Inborn genetic diseases. Identifiers: MedGen C0950123, MeSH D030342.

Allele frequency attached by ClinVar (database versions not stated): ExAC 0.00001; gnomAD exomes 0.00002 and 0.00003; ESP Exome Variant Server 0.00008; TOPMed 0.00017; gnomAD 0.00018 and 0.00019; 1000 Genomes Project 30x 0.00047; 1000 Genomes Project 0.00060.
gnomAD v4.1: 66 of 1,614,032 alleles (0.0041%); highest among the groups gnomAD compares: African/African-American, 0.071%; no homozygotes.

Submissions (2):

Ambry Genetics
Classification: Uncertain significance for Inborn genetic diseases. Last evaluated: 2025-11-25. Review status: criteria provided, single submitter. Criteria: Ambry Variant Classification Scheme 2023. Collection method: clinical testing. Allele origin: germline.

Labcorp Genetics (formerly Invitae), Labcorp
Classification: Uncertain significance for MOGS-congenital disorder of glycosylation. Last evaluated: 2024-11-05. Review status: criteria provided, single submitter. Criteria: Invitae Variant Classification Sherloc (09022015). Collection method: clinical testing. Allele origin: germline.
Comment: This sequence change replaces glycine, which is neutral and non-polar, with glutamic acid, which is acidic and polar, at codon 269 of the MOGS protein (p.Gly269Glu). This variant is present in population databases (rs201775541, gnomAD 0.05%). This variant has not been reported in the literature in individuals affected with MOGS-related conditions. ClinVar contains an entry for this variant (Variation ID: 665588). Invitae Evidence Modeling of protein sequence and biophysical properties (such as structural, functional, and spatial information, amino acid conservation, physicochemical variation, residue mobility, and thermodynamic stability) indicates that this missense variant is not expected to disrupt MOGS protein function with a negative predictive value of 80%. In summary, the available evidence is currently insufficient to determine the role of this variant in disease. Therefore, it has been classified as a Variant of Uncertain Significance.

NM_006302.3(MOGS):c.806G>A (p.Gly269Glu)

Gene: MOGS (mannosyl-oligosaccharide glucosidase; minus strand). Cytogenetic location: 2p13.1.
Variant type: single nucleotide variant.
Coding change: c.806G>A on transcript NM_006302.3 (MANE Select); coding-DNA position 806, G replaced by A.
Protein change: p.Gly269Glu; replaces glycine 269 with glutamic acid.
Molecular consequence: missense variant.
Genome position (GRCh38, 1-based): chr2:74,462,983, C>T on the plus strand (G>A on the coding strand, the complement: MOGS is on the minus strand). VCF-style: chr2-74462983-C-T. GRCh37 (hg19) VCF-style: chr2-74690110-C-T.
Other names: c.806G>A, p.Gly269Glu (LRG_1226t1); c.488G>A, p.Gly163Glu (NM_001146158.2); short protein forms G269E, G163E.
Identifiers: ClinVar variation 665588 (VCV000665588.6), dbSNP rs201775541, ClinGen allele CA1724919.